The following is an entry in ClinVar:

NM_174936.4(PCSK9):c.1118G>T (p.Ser373Ile)

Gene: PCSK9 (proprotein convertase subtilisin/kexin type 9; plus strand). Cytogenetic location: 1p32.3.
Variant type: single nucleotide variant.
Coding change: c.1118G>T on transcript NM_174936.4 (MANE Select); coding-DNA position 1118, G replaced by T.
Protein change: p.Ser373Ile; replaces serine 373 with isoleucine.
Molecular consequence: missense variant. On other transcripts: non-coding transcript variant (8).
Genome position (GRCh38, 1-based): chr1:55,057,452, G>T. VCF-style: chr1-55057452-G-T. GRCh37 (hg19) VCF-style: chr1-55523125-G-T.
Other names: c.1241G>T, p.Ser414Ile (NM_001407240.1); c.1118G>T, p.Ser373Ile (NM_001407241.1, NM_001407244.1, NM_001407247.1); c.1121G>T, p.Ser374Ile (NM_001407242.1); c.1061G>T, p.Ser354Ile (NM_001407243.1); c.926G>T, p.Ser309Ile (NM_001407245.1); c.743G>T, p.Ser248Ile (NM_001407246.1); short protein forms S248I, S309I, S354I, S373I, S374I, S414I.
Identifiers: ClinVar variation 3070796 (VCV003070796.2), dbSNP rs768686622, ClinGen allele CA035165.

ClinVar aggregate classification (germline): Uncertain significance. Review status: criteria provided, multiple submitters, no conflicts (2 of 4 stars). 2 submissions from 2 submitters: Uncertain significance (2). Last evaluated 2024-05-31.

Conditions:
Familial hypercholesterolemia. Also called: Familial hypercholesterolemias; Familial hypercholesterolaemia. Identifiers: MedGen C0020445, MONDO:0005439.
Hypercholesterolemia, autosomal dominant, 3 (FHCL3). Also called: Familial Hypercholesterolemia, Autosomal Dominant, 3; PCSK9-Related Familial Hypercholesterolemia, Autosomal Dominant; Familial hypercholesterolemia 3. Identifiers: MedGen C1863551, MONDO:0011369, OMIM 603776.

Allele frequency attached by ClinVar (database versions not stated): ExAC 0.00001.
gnomAD v4.1: 1 of 1,614,072 alleles (0.000062%); highest among the groups gnomAD compares: Admixed American, 0.0017%; no homozygotes.

Submissions (2):

Color Diagnostics, LLC DBA Color Health
Classification: Uncertain significance for Familial hypercholesterolemia. Last evaluated: 2024-05-31. Review status: criteria provided, single submitter. Criteria: ACMG Guidelines, 2015. Collection method: clinical testing. Allele origin: germline.
Comment: This missense variant replaces serine with isoleucine at codon 373 of the PCSK9 protein. Computational prediction is inconclusive regarding the impact of this variant on protein structure and function (internally defined REVEL score threshold 0.5 < inconclusive < 0.7, PMID: 27666373). To our knowledge, functional studies have not been reported for this variant. This variant has not been reported in individuals affected with PCSK9-related disorders in the literature. This variant has been identified in 1/251178 chromosomes in the general population by the Genome Aggregation Database (gnomAD). The available evidence is insufficient to determine the role of this variant in disease conclusively. Therefore, this variant is classified as a Variant of Uncertain Significance.

All of Us Research Program, National Institutes of Health
Classification: Uncertain significance for Hypercholesterolemia, autosomal dominant, 3. Last evaluated: 2023-05-04. Review status: criteria provided, single submitter. Criteria: ACMG Guidelines, 2015. Collection method: clinical testing. Allele origin: germline. Inheritance: Autosomal dominant inheritance. Observed: 1 variant allele, 1 heterozygote.
Comment: This missense variant replaces serine with isoleucine at codon 373 of the PCSK9 protein. Computational prediction is inconclusive regarding the impact of this variant on protein structure and function (internally defined REVEL score threshold 0.5 < inconclusive < 0.7, PMID: 27666373). To our knowledge, functional studies have not been reported for this variant. This variant has not been reported in individuals affected with PCSK9-related disorders in the literature. This variant has been identified in 1/251178 chromosomes in the general population by the Genome Aggregation Database (gnomAD). The available evidence is insufficient to determine the role of this variant in disease conclusively. Therefore, this variant is classified as a Variant of Uncertain Significance.

This study involves interpretation of variants in research participants for the purpose of population health screening. Participant phenotype was not available at the time of variant classification. Additional details can be found in publication PMID: 35346344, PMCID: PMC8962531